The following is an entry in ClinVar:

NM_002292.4(LAMB2):c.2957G>A (p.Cys986Tyr)

Gene: LAMB2 (laminin subunit beta 2; minus strand). Cytogenetic location: 3p21.31.
Variant type: single nucleotide variant.
Coding change: c.2957G>A on transcript NM_002292.4 (MANE Select); coding-DNA position 2957, G replaced by A.
Protein change: p.Cys986Tyr; replaces cysteine 986 with tyrosine.
Molecular consequence: missense variant.
Genome position (GRCh38, 1-based): chr3:49,124,853, C>T on the plus strand (G>A on the coding strand, the complement: LAMB2 is on the minus strand). VCF-style: chr3-49124853-C-T. GRCh37 (hg19) VCF-style: chr3-49162286-C-T.
Other names: short protein forms C986Y.
Identifiers: ClinVar variation 1391165 (VCV001391165.8), dbSNP rs2045393494, ClinGen allele CA352714572.
Genomic context (GRCh38, chr3:49,124,853, plus strand): 5'-TGCCCCGTGTGGGGGTCACAGGCATCAGGATCCATTGGGTCAATGTTCCCACTGCACTCA[C>T]ACAGTTGGCACCGGCCACCTGGCCTTGATGGGTCCCCAAAGTGCCCAGGGGCACAAGCTT-3'
Protein context (NP_002283.3, residues 976-996): PSRPGGRCQL[Cys986Tyr]ECSGNIDPMD

ClinVar aggregate classification (germline): Uncertain significance (1 of 4 stars; one submission).

Conditions:
LAMB2-related infantile-onset nephrotic syndrome. Also called: Nephrotic Syndrome, type 5; NEPHROTIC SYNDROME, TYPE 5, WITHOUT OCULAR ABNORMALITIES; NEPHROTIC SYNDROME, TYPE 5, WITH OCULAR ABNORMALITIES. Identifiers: Orphanet 306507, MedGen C3280113, MONDO:0013621, OMIM 614199.
Pierson syndrome. Also called: MICROCORIA-CONGENITAL NEPHROTIC SYNDROME. Identifiers: Orphanet 2670, MedGen C1836876, MONDO:0012184, OMIM 609049.

Allele frequency attached by ClinVar (database versions not stated): gnomAD exomes 0.00001.
gnomAD v4.1: 11 of 1,614,162 alleles (0.00068%); highest among the groups gnomAD compares: East Asian, 0.025%; no homozygotes.

Submission:

Labcorp Genetics (formerly Invitae), Labcorp
Classification: Uncertain significance for LAMB2-related infantile-onset nephrotic syndrome; Pierson syndrome. Last evaluated: 2022-06-20. Review status: criteria provided, single submitter. Criteria: Invitae Variant Classification Sherloc (09022015). Collection method: clinical testing. Allele origin: germline.
Comment: In summary, the available evidence is currently insufficient to determine the role of this variant in disease. Therefore, it has been classified as a Variant of Uncertain Significance. Algorithms developed to predict the effect of missense changes on protein structure and function (SIFT, PolyPhen-2, Align-GVGD) all suggest that this variant is likely to be disruptive. This variant has not been reported in the literature in individuals affected with LAMB2-related conditions. This variant is not present in population databases (gnomAD no frequency). This sequence change replaces cysteine, which is neutral and slightly polar, with tyrosine, which is neutral and polar, at codon 986 of the LAMB2 protein (p.Cys986Tyr).